The following is an entry in ClinVar:

ClinVar aggregate classification (germline): Uncertain significance (1 of 4 stars; one submission).

Conditions:
DMD-related disorder. Also called: DMD-related condition.

Submission:

PreventionGenetics, part of Exact Sciences
Classification: Uncertain significance for DMD-related condition. Last evaluated: 2023-01-24. Review status: criteria provided, single submitter. Criteria: ACMG Guidelines, 2015. Collection method: clinical testing. Allele origin: germline.
Comment: The DMD c.2114C>A variant is predicted to result in the amino acid substitution p.Pro705Gln. To our knowledge, this variant has not been reported in the literature or in a large population database, indicating this variant is rare. At this time, the clinical significance of this variant is uncertain due to the absence of conclusive functional and genetic evidence.

NM_004006.3(DMD):c.2114C>A (p.Pro705Gln)

Gene: DMD (dystrophin; minus strand). Cytogenetic location: Xp21.1.
Variant type: single nucleotide variant.
Coding change: c.2114C>A on transcript NM_004006.3 (MANE Select); coding-DNA position 2114, C replaced by A.
Protein change: p.Pro705Gln; replaces proline 705 with glutamine.
Molecular consequence: missense variant.
Genome position (GRCh38, 1-based): chrX:32,545,213, G>T on the plus strand (C>A on the coding strand, the complement: DMD is on the minus strand). VCF-style: chrX-32545213-G-T. GRCh37 (hg19) VCF-style: chrX-32563330-G-T.
Other names: c.2090C>A, p.Pro697Gln (NM_000109.4); c.2102C>A, p.Pro701Gln (NM_004009.3); c.1745C>A, p.Pro582Gln (NM_004010.3); short protein forms P582Q, P697Q, P701Q, P705Q.
Identifiers: ClinVar variation 2630199 (VCV002630199.1), dbSNP rs771176356, ClinGen allele CA10379637.